The following is an entry in ClinVar:

NM_001282116.2(RFX3):c.1968+136G>A

Gene: RFX3 (regulatory factor X3; minus strand). Cytogenetic location: 9p24.2.
Variant type: single nucleotide variant.
Coding change: c.1968+136G>A on transcript NM_001282116.2 (MANE Select); 136 bases into the intron after coding-DNA position 1968, G replaced by A.
Molecular consequence: intron variant. On other transcripts: missense variant (1).
Genome position (GRCh38, 1-based): chr9:3,247,896, C>T on the plus strand (G>A on the coding strand, the complement: RFX3 is on the minus strand). VCF-style: chr9-3247896-C-T. GRCh37 (hg19) VCF-style: chr9-3247896-C-T.
Other names: c.2104G>A, p.Val702Ile (NM_002919.4); c.1968+136G>A (NM_001377999.1, NM_134428.3); short protein forms V702I.
Identifiers: ClinVar variation 4885100 (VCV004885100.2).
Genomic context (GRCh38, chr9:3,247,896, plus strand): 5'-TTTTAGAATCTTTTGATTAAGCACATAAGAACAGAGGAATTTAAGGAACTCTTGCAATAA[C>T]TCCACAGTCCCTCCTGGCTCTGAGGCTGACTTGGTTAGGAACCATGGTTTTAATCAATAA-3'

ClinVar aggregate classification (germline): Uncertain significance (1 of 4 stars; one submission).

gnomAD v4.1: 2 of 1,610,210 alleles (0.00012%); highest among the groups gnomAD compares: Admixed American, 0.0017%; no homozygotes.

Submission:

Dasa
Classification: Uncertain significance. Last evaluated: 2026-03-29. Review status: criteria provided, single submitter. Criteria: DASA Assertion Criteria. Collection method: clinical testing. Allele origin: germline.
Comment: NM_002919.4(RFX3):c.2104G>A (p.Val702Ile) is a missense variant that results in the substitution of valine with isoleucine. This variant is rare in population databases. Computational prediction algorithms are consistent with a benign effect. The currently available literature and clinical evidence are not sufficient to establish a definitive association between this variant and the reported condition. Therefore, this variant is classified as a variant of uncertain significance.